The following is an entry in ClinVar:

NM_001267550.2(TTN):c.104988C>T (p.Val34996=)

Genes: TTN-AS1 (TTN antisense RNA 1; plus strand), TTN (titin; minus strand). Cytogenetic location: 2q31.2.
Variant type: single nucleotide variant.
Coding change: c.104988C>T on transcript NM_001267550.2 (MANE Select); coding-DNA position 104988, C replaced by T.
Protein change: p.Val34996=; no amino-acid change (valine 34996 retained).
Molecular consequence: synonymous variant.
Genome position (GRCh38, 1-based): chr2:178,531,627, G>A on the plus strand (C>T on the coding strand, the complement: TTN is on the minus strand). VCF-style: chr2-178531627-G-A. GRCh37 (hg19) VCF-style: chr2-179396354-G-A.
Other names: p.V33355V:GTC>GTT; p.Val32428=; c.100065C>T, p.Val33355= (NM_001256850.1); c.77793C>T, p.Val25931= (NM_003319.4); c.97284C>T, p.Val32428= (NM_133378.4); c.78168C>T, p.Val26056= (NM_133432.3); c.78369C>T, p.Val26123= (NM_133437.4).
Identifiers: ClinVar variation 47681 (VCV000047681.33), dbSNP rs3829748, ClinGen allele CA284301.

ClinVar aggregate classification (germline): Benign. Review status: criteria provided, multiple submitters, no conflicts (2 of 4 stars). 20 submissions from 13 submitters: Benign (20). Last evaluated 2026-02-04.

Conditions:
Cardiovascular phenotype. Identifiers: MedGen CN230736.
Dilated cardiomyopathy 1G (CMD1G). Identifiers: Orphanet 154, MedGen C1858763, MONDO:0011400, OMIM 604145.
Autosomal recessive limb-girdle muscular dystrophy type 2J (LGMDR10). Also called: MUSCULAR DYSTROPHY, LIMB-GIRDLE, AUTOSOMAL RECESSIVE 10; Limb-girdle muscular dystrophy, type 2J. Identifiers: Orphanet 140922, MedGen C1837342, MONDO:0012127, OMIM 608807.
Early-onset myopathy with fatal cardiomyopathy (CMYO5). Also called: CONGENITAL MYOPATHY 5 WITH CARDIOMYOPATHY; Salih Myopathy. Identifiers: Orphanet 289377, MedGen C2673677, MONDO:0012714, OMIM 611705. Disease mechanism: loss of function.
Tibial muscular dystrophy (TMD). Also called: Udd Distal Myopathy – Tibial Muscular Dystrophy; Tibial muscular dystrophy, tardive; UDD MYOPATHY. Identifiers: Orphanet 609, MedGen C1838244, MONDO:0010870, OMIM 600334.
Myopathy, myofibrillar, 9, with early respiratory failure (MFM9). Also called: Myopathy, distal, with early respiratory failure, autosomal dominant; Hereditary myopathy with early respiratory failure; MYOPATHY, PROXIMAL, WITH EARLY RESPIRATORY MUSCLE INVOLVEMENT; EDSTROM MYOPATHY. Identifiers: Orphanet 178464, Orphanet 34521, MedGen C1863599, MONDO:0011362, OMIM 603689.

Allele frequency attached by ClinVar (database versions not stated): gnomAD exomes 0.15580; TOPMed 0.16065; 1000 Genomes Project 30x 0.22595; 1000 Genomes Project 0.23183; ESP Exome Variant Server 0.14197; gnomAD 0.16457.

Submissions (20):

Labcorp Genetics (formerly Invitae), Labcorp
Classification: Benign for Dilated cardiomyopathy 1G; Autosomal recessive limb-girdle muscular dystrophy type 2J. Last evaluated: 2026-02-04. Review status: criteria provided, single submitter. Criteria: Invitae Variant Classification Sherloc (09022015). Collection method: clinical testing. Allele origin: germline.

Molecular Diagnostic Laboratory for Inherited Cardiovascular Disease, Montreal Heart Institute
Classification: Benign. Last evaluated: 2025-04-09. Review status: criteria provided, single submitter. Criteria: ACMG Guidelines, 2015. Collection method: clinical testing. Allele origin: germline. Affected: no.

Genome-Nilou Lab
Classification: Benign for Autosomal recessive limb-girdle muscular dystrophy type 2J. Last evaluated: 2021-09-10. Review status: criteria provided, single submitter. Criteria: ACMG Guidelines, 2015. Collection method: clinical testing. Allele origin: germline. Affected: no.

Genome-Nilou Lab
Classification: Benign for Myopathy, myofibrillar, 9, with early respiratory failure. Last evaluated: 2021-09-10. Review status: criteria provided, single submitter. Criteria: ACMG Guidelines, 2015. Collection method: clinical testing. Allele origin: germline. Affected: no.

Genome-Nilou Lab
Classification: Benign for Early-onset myopathy with fatal cardiomyopathy. Last evaluated: 2021-09-10. Review status: criteria provided, single submitter. Criteria: ACMG Guidelines, 2015. Collection method: clinical testing. Allele origin: germline. Affected: no.

Genome-Nilou Lab
Classification: Benign for Tibial muscular dystrophy. Last evaluated: 2021-09-10. Review status: criteria provided, single submitter. Criteria: ACMG Guidelines, 2015. Collection method: clinical testing. Allele origin: germline. Affected: no.

Women's Health and Genetics/Laboratory Corporation of America, LabCorp
Classification: Benign. Last evaluated: 2019-08-19. Review status: criteria provided, single submitter. Criteria: LabCorp Variant Classification Summary - May 2015. Collection method: clinical testing. Allele origin: germline.

Illumina Laboratory Services, Illumina
Classification: Benign for Tibial muscular dystrophy. Last evaluated: 2018-01-13. Review status: criteria provided, single submitter. Criteria: ICSL Variant Classification Criteria 13 December 2019. Collection method: clinical testing. Allele origin: germline.
Comment: This variant was observed in the ICSL laboratory as part of a predisposition screen in an ostensibly healthy population. It had not been previously curated by ICSL or reported in the Human Gene Mutation Database (HGMD: prior to June 1st, 2018), and was therefore a candidate for classification through an automated scoring system. Utilizing variant allele frequency, disease prevalence and penetrance estimates, and inheritance mode, an automated score was calculated to assess if this variant is too frequent to cause the disease. Based on the score and internal cut-off values, a variant classified as benign is not then subjected to further curation. The score for this variant resulted in a classification of benign for this disease.

Illumina Laboratory Services, Illumina
Classification: Benign for Myopathy, myofibrillar, 9, with early respiratory failure. Last evaluated: 2018-01-13. Review status: criteria provided, single submitter. Criteria: ICSL Variant Classification Criteria 13 December 2019. Collection method: clinical testing. Allele origin: germline.
Comment: the same text as in the submission from Illumina Laboratory Services, Illumina above.

Illumina Laboratory Services, Illumina
Classification: Benign for Early-onset myopathy with fatal cardiomyopathy. Last evaluated: 2018-01-13. Review status: criteria provided, single submitter. Criteria: ICSL Variant Classification Criteria 13 December 2019. Collection method: clinical testing. Allele origin: germline.
Comment: the same text as in the submission from Illumina Laboratory Services, Illumina above.

Illumina Laboratory Services, Illumina
Classification: Benign for Dilated cardiomyopathy 1G. Last evaluated: 2018-01-13. Review status: criteria provided, single submitter. Criteria: ICSL Variant Classification Criteria 13 December 2019. Collection method: clinical testing. Allele origin: germline.
Comment: the same text as in the submission from Illumina Laboratory Services, Illumina above.

Illumina Laboratory Services, Illumina
Classification: Benign for Autosomal recessive limb-girdle muscular dystrophy type 2J. Last evaluated: 2018-01-13. Review status: criteria provided, single submitter. Criteria: ICSL Variant Classification Criteria 13 December 2019. Collection method: clinical testing. Allele origin: germline.
Comment: the same text as in the submission from Illumina Laboratory Services, Illumina above.

Mayo Clinic Laboratories, Mayo Clinic
Classification: Benign. Last evaluated: 2017-08-25. Review status: criteria provided, single submitter. Criteria: ACMG Guidelines, 2015. Collection method: clinical testing. Allele origin: germline. Observed: 659 variant alleles.

Eurofins Ntd Llc (ga)
Classification: Benign. Last evaluated: 2016-02-12. Review status: criteria provided, single submitter. Criteria: EGL Classification Definitions 2015. Collection method: clinical testing. Allele origin: germline. Observed: 4 variant alleles, 4 heterozygotes.

Genetic Services Laboratory, University of Chicago
Classification: Benign for AllHighlyPenetrant. Last evaluated: 2013-08-15. Review status: criteria provided, single submitter. Criteria: ACMG Guidelines, 2007. Collection method: clinical testing. Allele origin: germline.

Ambry Genetics
Classification: Benign for Cardiovascular phenotype. Last evaluated: 2013-01-15. Review status: criteria provided, single submitter. Criteria: Ambry Autosomal Dominant and X-Linked criteria (10/2015). Collection method: clinical testing. Allele origin: germline. Observed: 1 variant allele.

GeneDx
Classification: Benign. Last evaluated: 2012-10-31. Review status: criteria provided, single submitter. Criteria: GeneDx Variant Classification (06012015). Collection method: clinical testing. Allele origin: germline. Affected: yes.
Comment: This variant is considered likely benign or benign based on one or more of the following criteria: it is a conservative change, it occurs at a poorly conserved position in the protein, it is predicted to be benign by multiple in silico algorithms, and/or has population frequency not consistent with disease.

Laboratory for Molecular Medicine, Mass General Brigham Personalized Medicine
Classification: Benign. Last evaluated: 2012-04-11. Review status: criteria provided, single submitter. Criteria: LMM Criteria. Collection method: clinical testing. Allele origin: germline. Observed: 519 variant alleles.

Breakthrough Genomics
Classification: Benign. Review status: criteria provided, single submitter. Criteria: ACMG Guidelines, 2015. Collection method: not provided. Allele origin: germline. Inheritance: Autosomal recessive inheritance. Affected: yes.

PreventionGenetics, part of Exact Sciences
Classification: Benign. Review status: criteria provided, single submitter. Criteria: ACMG Guidelines, 2015. Collection method: clinical testing. Allele origin: germline.